The following is an entry in ClinVar:

ClinVar aggregate classification (germline): Uncertain significance. Review status: criteria provided, multiple submitters, no conflicts (2 of 4 stars). 3 submissions from 3 submitters: Uncertain significance (3). Last evaluated 2025-12-23.

Conditions:
Maturity-onset diabetes of the young type 9 (MODY9). Identifiers: Orphanet 552, MedGen C2677132, MONDO:0012818, OMIM 612225.
Type 2 diabetes mellitus. Also called: Type II diabetes mellitus. Identifiers: MedGen C0011860, MeSH D003924, MONDO:0005148, OMIM 125853, HP:0005978.
Diabetes mellitus, ketosis-prone (KPD). Identifiers: MedGen C3837958, MONDO:0100180, OMIM 612227.

Allele frequency attached by ClinVar (database versions not stated): gnomAD 0.00001 and 0.00002; TOPMed 0.00001; ExAC 0.00004; gnomAD exomes 0.00004 and 0.00005.

Submissions (3):

Labcorp Genetics (formerly Invitae), Labcorp
Classification: Uncertain significance. Last evaluated: 2025-12-23. Review status: criteria provided, single submitter. Criteria: Invitae Variant Classification Sherloc (09022015). Collection method: clinical testing. Allele origin: germline.
Comment: This sequence change replaces arginine, which is basic and polar, with glutamine, which is neutral and polar, at codon 164 of the PAX4 protein (p.Arg164Gln). This variant is present in population databases (rs587780414, gnomAD 0.01%). This missense change has been observed in individual(s) with maturity-onset diabetes of the young (PMID: 32801813, 34135026, 34171966). It has also been observed to segregate with disease in related individuals. ClinVar contains an entry for this variant (Variation ID: 129874). An algorithm developed to predict the effect of missense changes on protein structure and function (PolyPhen-2) suggests that this variant is likely to be disruptive. In summary, the available evidence is currently insufficient to determine the role of this variant in disease. Therefore, it has been classified as a Variant of Uncertain Significance.

Fulgent Genetics
Classification: Uncertain significance for Type 2 diabetes mellitus; Maturity-onset diabetes of the young type 9; Diabetes mellitus, ketosis-prone. Last evaluated: 2022-01-04. Review status: criteria provided, single submitter. Criteria: ACMG Guidelines, 2015. Collection method: clinical testing. Allele origin: unknown.

Genetic Services Laboratory, University of Chicago
Classification: Uncertain significance. Last evaluated: 2013-11-04. Review status: criteria provided, single submitter. Criteria: ACMG Guidelines, 2007. Collection method: clinical testing. Allele origin: germline. Inheritance: Autosomal dominant inheritance.

Literature cited by the submitters: PubMed 32801813 (cited by Labcorp Genetics (formerly Invitae), Labcorp); PubMed 34135026 (cited by Labcorp Genetics (formerly Invitae), Labcorp); PubMed 34171966 (cited by Labcorp Genetics (formerly Invitae), Labcorp).

NM_001366110.1(PAX4):c.515G>A (p.Arg172Gln)

Gene: PAX4 (paired box 4; minus strand). Cytogenetic location: 7q32.1.
Variant type: single nucleotide variant.
Coding change: c.515G>A on transcript NM_001366110.1 (MANE Select); coding-DNA position 515, G replaced by A.
Protein change: p.Arg172Gln; replaces arginine 172 with glutamine.
Molecular consequence: missense variant.
Genome position (GRCh38, 1-based): chr7:127,613,803, C>T on the plus strand (G>A on the coding strand, the complement: PAX4 is on the minus strand). VCF-style: chr7-127613803-C-T. GRCh37 (hg19) VCF-style: chr7-127253857-C-T.
Other names: c.515G>A, p.Arg172Gln (NM_001366111.1); short protein forms R172Q.
Identifiers: ClinVar variation 129874 (VCV000129874.15), dbSNP rs587780414, ClinGen allele CA231370.
Genomic context (GRCh38, chr7:127,613,803, plus strand): 5'-CCCAGCCCAGCACCTTTCTCCAGTGCCTCTGCTTGGCTTGGGGAGAAGATAGTCCGATTC[C>T]GGTGGCCGGTCCCTGGGTGGGTACCCCGGGGAGTCTCAGAGCCACTATGGGGAGTGAGGA-3'
Protein context (NP_001353039.1, residues 162-182): PRGTHPGTGH[Arg172Gln]NRTIFSPSQA